The following is an entry in ClinVar:

NM_005911.6(MAT2A):c.674A>G (p.Lys225Arg)

Genes: GGCX (gamma-glutamyl carboxylase; minus strand), MAT2A (methionine adenosyltransferase 2A; plus strand). Cytogenetic location: 2p11.2.
Variant type: single nucleotide variant.
Coding change: c.674A>G on transcript NM_005911.6 (MANE Select); coding-DNA position 674, A replaced by G.
Protein change: p.Lys225Arg; replaces lysine 225 with arginine.
Molecular consequence: missense variant.
Genome position (GRCh38, 1-based): chr2:85,542,279, A>G. VCF-style: chr2-85542279-A-G. GRCh37 (hg19) VCF-style: chr2-85769402-A-G.
Other names: short protein forms K225R.
Identifiers: ClinVar variation 426974 (VCV000426974.2), dbSNP rs1085307882, ClinGen allele CA347477300.
Genomic context (GRCh38, chr2:85,542,279, plus strand): 5'-TATCTGTTCAGCATGATGAAGAGGTTTGTCTTGATGAAATGAGGGATGCCCTAAAGGAGA[A>G]AGTCATCAAAGCAGTTGTGCCTGCGAAATACCTTGATGAGGATACAATCTACCACCTACA-3'
Protein context (NP_005902.1, residues 215-235): LDEMRDALKE[Lys225Arg]VIKAVVPAKY

ClinVar aggregate classification (germline): Uncertain significance (1 of 4 stars; one submission).

Allele frequency attached by ClinVar (database versions not stated): gnomAD exomes below 0.00001.

Submission:

GeneDx
Classification: Uncertain significance. Last evaluated: 2017-02-13. Review status: criteria provided, single submitter. Criteria: GeneDx Variant Classification (06012015). Collection method: clinical testing. Allele origin: germline. Affected: yes.
Comment: A variant of uncertain significance has been identified in the MAT2A gene. The K225R variant hasnot been published as pathogenic or been reported as benign to our knowledge. The K225R variant isnot observed in large population cohorts (Lek et al., 2016; Exome Variant Server). The K225Rvariant is a conservative amino acid substitution, which is not likely to impact secondary proteinstructure as these residues share similar properties. Although this substitution occurs at a position thatis conserved in mammals, in silico analysis is inconsistent in its predictions as to whether or not thevariant is damaging to the protein structure/function. Furthermore, no missense variants in nearbyresidues have been reported in the Human Gene Mutation Database in association with TAAD(Stenson et al., 2014).